The following is an entry in ClinVar:

ClinVar aggregate classification (germline): Uncertain significance. Review status: criteria provided, multiple submitters, no conflicts (2 of 4 stars). 2 submissions from 2 submitters: Uncertain significance (2). Last evaluated 2024-02-28.

Allele frequency attached by ClinVar (database versions not stated): TOPMed 0.00001; gnomAD 0.00002; gnomAD exomes 0.00002.
gnomAD v4.1: 36 of 1,614,088 alleles (0.0022%); highest among the groups gnomAD compares: South Asian, 0.0077%; no homozygotes.

Submissions (2):

Blueprint Genetics
Classification: Uncertain significance. Last evaluated: 2024-02-28. Review status: criteria provided, single submitter. Criteria: ACMG Guidelines, 2015. Collection method: clinical testing. Allele origin: germline.

Labcorp Genetics (formerly Invitae), Labcorp
Classification: Uncertain significance. Last evaluated: 2023-07-07. Review status: criteria provided, single submitter. Criteria: Invitae Variant Classification Sherloc (09022015). Collection method: clinical testing. Allele origin: germline.
Comment: This sequence change replaces valine, which is neutral and non-polar, with methionine, which is neutral and non-polar, at codon 102 of the PARS2 protein (p.Val102Met). This variant is present in population databases (no rsID available, gnomAD 0.003%). This variant has not been reported in the literature in individuals affected with PARS2-related conditions. ClinVar contains an entry for this variant (Variation ID: 1442537). An algorithm developed to predict the effect of missense changes on protein structure and function (PolyPhen-2) suggests that this variant is likely to be disruptive. In summary, the available evidence is currently insufficient to determine the role of this variant in disease. Therefore, it has been classified as a Variant of Uncertain Significance.

NM_152268.4(PARS2):c.304G>A (p.Val102Met)

Gene: PARS2 (prolyl-tRNA synthetase 2, mitochondrial; minus strand). Cytogenetic location: 1p32.3.
Variant type: single nucleotide variant.
Coding change: c.304G>A on transcript NM_152268.4 (MANE Select); coding-DNA position 304, G replaced by A.
Protein change: p.Val102Met; replaces valine 102 with methionine.
Molecular consequence: missense variant.
Genome position (GRCh38, 1-based): chr1:54,758,858, C>T on the plus strand (G>A on the coding strand, the complement: PARS2 is on the minus strand). VCF-style: chr1-54758858-C-T. GRCh37 (hg19) VCF-style: chr1-55224531-C-T.
Other names: short protein forms V102M.
Identifiers: ClinVar variation 1442537 (VCV001442537.9), dbSNP rs1250287900, ClinGen allele CA340465730.